The following is an entry in ClinVar:

NM_000435.3(NOTCH3):c.2798G>T (p.Cys933Phe)

Gene: NOTCH3 (notch receptor 3; minus strand). Cytogenetic location: 19p13.12.
Variant type: single nucleotide variant.
Coding change: c.2798G>T on transcript NM_000435.3 (MANE Select); coding-DNA position 2798, G replaced by T.
Protein change: p.Cys933Phe; replaces cysteine 933 with phenylalanine.
Molecular consequence: missense variant.
Genome position (GRCh38, 1-based): chr19:15,181,157, C>A on the plus strand (G>T on the coding strand, the complement: NOTCH3 is on the minus strand). VCF-style: chr19-15181157-C-A. GRCh37 (hg19) VCF-style: chr19-15291968-C-A.
Other names: short protein forms C933F.
Identifiers: ClinVar variation 1807365 (VCV001807365.2), dbSNP rs2512646581, ClinGen allele CA404516311.

ClinVar aggregate classification (germline): Pathogenic (1 of 4 stars; one submission).

Submission:

Athena Diagnostics
Classification: Pathogenic. Last evaluated: 2023-07-07. Review status: criteria provided, single submitter. Criteria: Athena Diagnostics Criteria. Collection method: clinical testing. Allele origin: unknown.
Comment: This variant has been identified in at least one individual with clinical features associated with CADASIL. This variant has not been reported in large, multi-ethnic general populations. This variant alters a critical location within the protein, and is expected to severely affect function and cause disease. Greater than 90% of NOTCH3 pathogenic variants associated with CADASIL involve the gain or loss of a cysteine residue within the epidermal growth factor (EGF)-like repeat domain (PMID: 32457593, 20301673).